The following is an entry in ClinVar:

NM_001363711.2(DUOX2):c.2635G>T (p.Glu879Ter)

Gene: DUOX2 (dual oxidase 2; minus strand). Cytogenetic location: 15q21.1.
Variant type: single nucleotide variant.
Coding change: c.2635G>T on transcript NM_001363711.2 (MANE Select); coding-DNA position 2635, G replaced by T.
Protein change: p.Glu879Ter; replaces glutamic acid 879 with a stop codon.
Molecular consequence: nonsense.
Genome position (GRCh38, 1-based): chr15:45,103,979, C>A on the plus strand (G>T on the coding strand, the complement: DUOX2 is on the minus strand). VCF-style: chr15-45103979-C-A. GRCh37 (hg19) VCF-style: chr15-45396177-C-A.
Other names: c.2635G>T, p.Glu879Ter (NM_014080.5); short protein forms E879*.
Identifiers: ClinVar variation 2809314 (VCV002809314.3), dbSNP rs774556391, ClinGen allele CA392268596.

ClinVar aggregate classification (germline): Pathogenic (1 of 4 stars; one submission).

Submission:

Labcorp Genetics (formerly Invitae), Labcorp
Classification: Pathogenic. Last evaluated: 2022-12-09. Review status: criteria provided, single submitter. Criteria: Invitae Variant Classification Sherloc (09022015). Collection method: clinical testing. Allele origin: germline.
Comment: This sequence change creates a premature translational stop signal (p.Glu879*) in the DUOX2 gene. It is expected to result in an absent or disrupted protein product. Loss-of-function variants in DUOX2 are known to be pathogenic (PMID: 12110737, 18765513, 21565790, 24423310, 24735383). This variant is not present in population databases (gnomAD no frequency). This variant has not been reported in the literature in individuals affected with DUOX2-related conditions. For these reasons, this variant has been classified as Pathogenic.

Literature cited by the submitters: PubMed 12110737; PubMed 18765513; PubMed 21565790; PubMed 24423310; PubMed 24735383.